The following is an entry in ClinVar:

ClinVar aggregate classification (germline): Uncertain significance (1 of 4 stars; one submission).

Allele frequency attached by ClinVar (database versions not stated): gnomAD exomes below 0.00001.
gnomAD v4.1: 1 of 1,614,146 alleles (0.000062%); highest among the groups gnomAD compares: South Asian, 0.0011%; no homozygotes.

Submission:

Labcorp Genetics (formerly Invitae), Labcorp
Classification: Uncertain significance. Last evaluated: 2022-05-17. Review status: criteria provided, single submitter. Criteria: Invitae Variant Classification Sherloc (09022015). Collection method: clinical testing. Allele origin: germline.
Comment: In summary, the available evidence is currently insufficient to determine the role of this variant in disease. Therefore, it has been classified as a Variant of Uncertain Significance. Algorithms developed to predict the effect of missense changes on protein structure and function are either unavailable or do not agree on the potential impact of this missense change (SIFT: "Not Available"; PolyPhen-2: "Benign"; Align-GVGD: "Not Available"). This variant has not been reported in the literature in individuals affected with ANK3-related conditions. This variant is present in population databases (no rsID available, gnomAD 0.003%). This sequence change replaces arginine, which is basic and polar, with glycine, which is neutral and non-polar, at codon 2745 of the ANK3 protein (p.Arg2745Gly).

NM_020987.5(ANK3):c.8233A>G (p.Arg2745Gly)

Gene: ANK3 (ankyrin 3; minus strand). Cytogenetic location: 10q21.2.
Variant type: single nucleotide variant.
Coding change: c.8233A>G on transcript NM_020987.5 (MANE Select); coding-DNA position 8233, A replaced by G.
Protein change: p.Arg2745Gly; replaces arginine 2745 with glycine.
Molecular consequence: missense variant. On other transcripts: intron variant (4).
Genome position (GRCh38, 1-based): chr10:60,072,648, T>C on the plus strand (A>G on the coding strand, the complement: ANK3 is on the minus strand). VCF-style: chr10-60072648-T-C. GRCh37 (hg19) VCF-style: chr10-61832406-T-C.
Other names: c.4388-4639A>G (NM_001204403.2); c.4409-4639A>G (NM_001204404.2); c.4406-4639A>G (NM_001320874.2); c.1808-4639A>G (NM_001149.4); short protein forms R2745G.
Identifiers: ClinVar variation 1995471 (VCV001995471.4), dbSNP rs1176405590, ClinGen allele CA377008303.